The following is an entry in ClinVar:

NM_001370595.2(COA8):c.224A>G (p.Asn75Ser)

Gene: COA8 (cytochrome c oxidase assembly factor 8; plus strand). Cytogenetic location: 14q32.33.
Variant type: single nucleotide variant.
Coding change: c.224A>G on transcript NM_001370595.2 (MANE Select); coding-DNA position 224, A replaced by G.
Protein change: p.Asn75Ser; replaces asparagine 75 with serine.
Molecular consequence: missense variant. On other transcripts: non-coding transcript variant (2).
Genome position (GRCh38, 1-based): chr14:103,571,723, A>G. VCF-style: chr14-103571723-A-G. GRCh37 (hg19) VCF-style: chr14-104038060-A-G.
Other names: c.263A>G (NM_032374.4); c.224A>G, p.Asn75Ser (NM_001302653.2, NM_001302654.2); short protein forms N75S.
Identifiers: ClinVar variation 235497 (VCV000235497.16), dbSNP rs35960830, ClinGen allele CA7365480.
Genomic context (GRCh38, chr14:103,571,723, plus strand): 5'-GGATAGGACCCCCAGATAAATATTCAAACCTTCGACCTGTTCACTTTTACATACCTGAAA[A>G]TGAATCTCCATTGGAACAAAAGCTTAGAAAATTAAGACAAGAAACACAAGAATGGAATCA-3'
Protein context (NP_001357524.1, residues 65-85): LRPVHFYIPE[Asn75Ser]ESPLEQKLRK

ClinVar aggregate classification (germline): Benign/Likely benign. Review status: criteria provided, multiple submitters, no conflicts (2 of 4 stars). 4 submissions from 4 submitters: Benign (2); Likely benign (2). Last evaluated 2026-01-24.

Allele frequency attached by ClinVar (database versions not stated): gnomAD exomes 0.00048 and 0.00133; ExAC 0.00165; ESP Exome Variant Server 0.00507; gnomAD 0.00526 and 0.00562; 1000 Genomes Project 30x 0.00562; TOPMed 0.00570; 1000 Genomes Project 0.00599.
gnomAD v4.1: 1,531 of 1,614,212 alleles (0.095%); highest among the groups gnomAD compares: African/African-American, 1.9%; 9 homozygotes.

Submissions (5):

Labcorp Genetics (formerly Invitae), Labcorp
Classification: Benign. Last evaluated: 2026-01-24. Review status: criteria provided, single submitter. Criteria: Invitae Variant Classification Sherloc (09022015). Collection method: clinical testing. Allele origin: germline.

GeneDx
Classification: Benign. Last evaluated: 2018-08-21. Review status: criteria provided, single submitter. Criteria: GeneDx Variant Classification Process June 2021. Collection method: clinical testing. Allele origin: germline. Affected: yes.

Center for Pediatric Genomic Medicine, Children's Mercy Hospital and Clinics
Classification: Likely benign. Last evaluated: 2016-02-11. Review status: criteria provided, single submitter. Criteria: ACMG Guidelines, 2015. Collection method: clinical testing. Allele origin: germline.
ClinVar note: Converted during submission from Likely Benign to Likely benign.

Breakthrough Genomics
Classification: Likely benign. Review status: criteria provided, single submitter. Criteria: ACMG Guidelines, 2015. Collection method: not provided. Allele origin: germline. Inheritance: Autosomal recessive inheritance. Affected: yes.

Dr. Peter K. Rogan Lab, Western University
No classification provided (evidence only). Condition: Uterine corpus endometrial carcinoma. Review status: no classification provided. Collection method: in vitro. Allele origin: not applicable. Functional consequence: skipped exon. Not counted in ClinVar's aggregate classification.